The following is an entry in ClinVar:

ClinVar aggregate classification (germline): Conflicting classifications of pathogenicity. Review status: criteria provided, conflicting classifications (1 of 4 stars). 3 submissions from 3 submitters: Uncertain significance (2); Likely benign (1). Last evaluated 2025-02-18.

Conditions:
Inborn genetic diseases. Identifiers: MedGen C0950123, MeSH D030342.
Brunner syndrome (BRNRS). Identifiers: Orphanet 3057, MedGen C0796275, MONDO:0010379, OMIM 300615.

Allele frequency attached by ClinVar (database versions not stated): gnomAD 0.00012 and 0.00013; 1000 Genomes Project 30x 0.00021; ExAC 0.00002; gnomAD exomes 0.00004 and 0.00001; TOPMed 0.00010; ESP Exome Variant Server 0.00028; 1000 Genomes Project 0.00026.
gnomAD v4.1: 27 of 1,208,260 alleles (0.0022%); highest among the groups gnomAD compares: African/African-American, 0.04%; no homozygotes.

Submissions (3):

Labcorp Genetics (formerly Invitae), Labcorp
Classification: Uncertain significance for Brunner syndrome. Last evaluated: 2025-02-18. Review status: criteria provided, single submitter. Criteria: Invitae Variant Classification Sherloc (09022015). Collection method: clinical testing. Allele origin: germline.
Comment: This sequence change replaces lysine, which is basic and polar, with asparagine, which is neutral and polar, at codon 311 of the MAOA protein (p.Lys311Asn). This variant is present in population databases (rs144688481, gnomAD 0.05%). This variant has not been reported in the literature in individuals affected with MAOA-related conditions. ClinVar contains an entry for this variant (Variation ID: 1691072). Invitae Evidence Modeling of protein sequence and biophysical properties (such as structural, functional, and spatial information, amino acid conservation, physicochemical variation, residue mobility, and thermodynamic stability) indicates that this missense variant is not expected to disrupt MAOA protein function with a negative predictive value of 80%. In summary, the available evidence is currently insufficient to determine the role of this variant in disease. Therefore, it has been classified as a Variant of Uncertain Significance.

Ambry Genetics
Classification: Likely benign for Inborn genetic diseases. Last evaluated: 2024-05-03. Review status: criteria provided, single submitter. Criteria: Ambry Variant Classification Scheme 2023. Collection method: clinical testing. Allele origin: germline.

Laboratorio de Genetica e Diagnostico Molecular, Hospital Israelita Albert Einstein
Classification: Uncertain significance. Last evaluated: 2019-06-18. Review status: criteria provided, single submitter. Criteria: ACMG Guidelines, 2015. Collection method: clinical testing. Allele origin: germline. Affected: yes.
Comment: ACMG classification criteria: PM1, PM2, BP4

NM_000240.4(MAOA):c.933G>T (p.Lys311Asn)

Gene: MAOA (monoamine oxidase A; plus strand). Cytogenetic location: Xp11.3.
Variant type: single nucleotide variant.
Coding change: c.933G>T on transcript NM_000240.4 (MANE Select); coding-DNA position 933, G replaced by T.
Protein change: p.Lys311Asn; replaces lysine 311 with asparagine.
Molecular consequence: missense variant.
Genome position (GRCh38, 1-based): chrX:43,731,831, G>T. VCF-style: chrX-43731831-G-T. GRCh37 (hg19) VCF-style: chrX-43591078-G-T.
Other names: c.933G>T (NM_000240.2); c.534G>T, p.Lys178Asn (NM_001270458.2); short protein forms K178N, K311N.
Identifiers: ClinVar variation 1691072 (VCV001691072.7), dbSNP rs144688481, ClinGen allele CA10390852.